The following is an entry in ClinVar:

NM_052947.4(ALPK2):c.4754C>T (p.Ser1585Leu)

Genes: ALPK2 (alpha kinase 2; minus strand), LOC126862764 (BRD4-independent group 4 enhancer GRCh37_chr18:56202574-56203773; plus strand). Cytogenetic location: 18q21.31.
Variant type: single nucleotide variant.
Coding change: c.4754C>T on transcript NM_052947.4 (MANE Select); coding-DNA position 4754, C replaced by T.
Protein change: p.Ser1585Leu; replaces serine 1585 with leucine.
Molecular consequence: missense variant.
Genome position (GRCh38, 1-based): chr18:58,535,433, G>A on the plus strand (C>T on the coding strand, the complement: ALPK2 is on the minus strand). VCF-style: chr18-58535433-G-A. GRCh37 (hg19) VCF-style: chr18-56202665-G-A.
Other names: short protein forms S1585L.
Identifiers: ClinVar variation 3289352 (VCV003289352.1).
Genomic context (GRCh38, chr18:58,535,433, plus strand): 5'-AGATCAGGAGAAGAGGGCAAAGGTTTCCCACGCTCATTCTCAATAGTTCCCCTTTTCTGT[G>A]AAACAGGAAACACATACTGACGCTTTCTGGGCTCAACTATGTCATTTTCAGGGACGTCAT-3'
Protein context (NP_443179.3, residues 1575-1595): PRKRQYVFPV[Ser1585Leu]QKRGTIENER

ClinVar aggregate classification (germline): Uncertain significance (1 of 4 stars; one submission).

Submission:

Ambry Genetics
Classification: Uncertain significance. Last evaluated: 2024-04-20. Review status: criteria provided, single submitter. Criteria: Ambry Variant Classification Scheme 2023. Collection method: clinical testing. Allele origin: germline.
Comment: The p.S1585L variant (also known as c.4754C>T), located in coding exon 4 of the ALPK2 gene, results from a C to T substitution at nucleotide position 4754. The serine at codon 1585 is replaced by leucine, an amino acid with dissimilar properties. This amino acid position is conserved. In addition, this alteration is predicted to be tolerated by in silico analysis. Based on the available evidence, the clinical significance of this variant remains unclear.